The following is an entry in ClinVar:

NM_001086521.2(NDUFAF8):c.195+271C>T

Gene: NDUFAF8 (NADH:ubiquinone oxidoreductase complex assembly factor 8; plus strand). Cytogenetic location: 17q25.3.
Variant type: single nucleotide variant.
Coding change: c.195+271C>T on transcript NM_001086521.2 (MANE Select); 271 bases into the intron after coding-DNA position 195, C replaced by T.
Molecular consequence: intron variant. On other transcripts: non-coding transcript variant (1).
Genome position (GRCh38, 1-based): chr17:81,239,949, C>T. VCF-style: chr17-81239949-C-T. GRCh37 (hg19) VCF-style: chr17-79213749-C-T.
Other names: IVS2, C-T, +271; c.37+6C>T (NM_001353403.1); c.199+267C>T (NM_001353402.1).
Identifiers: ClinVar variation 691642 (VCV000691642.45), dbSNP rs745332456, ClinGen allele CA295018225.

ClinVar aggregate classification (germline): Pathogenic/Likely pathogenic. Review status: criteria provided, multiple submitters, no conflicts (2 of 4 stars). 11 submissions from 11 submitters: Pathogenic (8); Likely pathogenic (1). 2 of the submissions do not count toward it. Last evaluated 2026-06-02.

Conditions:
NDUFAF8-related disorder. Also called: NDUFAF8-related condition.
Mitochondrial disease. Also called: Mitochondrial disorders; Mitochondrial disorder. Identifiers: Orphanet 68380, MedGen C0751651, MeSH D028361, MONDO:0044970.
Mitochondrial complex I deficiency, nuclear type 34. Also called: Mitochondrial complex 1 deficiency, nuclear type 34. Identifiers: MedGen C5394053, MONDO:0032910, OMIM 618776.

Allele frequency attached by ClinVar (database versions not stated): TOPMed 0.00060; gnomAD 0.00061 and 0.00063; gnomAD exomes 0.00072.
gnomAD v4.1: 391 of 536,514 alleles (0.073%); highest among the groups gnomAD compares: Non-Finnish European, 0.11%; no homozygotes.

Submissions (11):

GeneDx
Classification: Pathogenic. Last evaluated: 2026-06-02. Review status: criteria provided, single submitter. Criteria: GeneDx Variant Classification Process June 2021. Collection method: clinical testing. Allele origin: germline.
Comment: Observed with a second loss of function variant on the opposite allele (in trans) in two patients with a clinical diagnosis of Leigh syndrome, one of whom demonstrated reduced complex I activity in muscle and fibroblast tissues (PMID: 31866046); cDNA studies performed in patient fibroblasts suggest aberrant splicing, with mRNA analysis showing loss of the allele harboring this variant (PMID: 31866046); This variant is associated with the following publications: (PMID: 31866046, 34732400, 41234160)

Victorian Clinical Genetics Services, Murdoch Childrens Research Institute
Classification: Pathogenic for Mitochondrial complex I deficiency, nuclear type 34. Last evaluated: 2026-03-24. Review status: criteria provided, single submitter. Criteria: ACMG Guidelines, 2015. Collection method: clinical testing. Allele origin: germline. Affected: yes.
Comment: This variant is classified as Pathogenic. Evidence in support of pathogenic classification: Splice site variant proven to affect splicing of the transcript. RNA analysis of patient fibroblasts showed this variant causes aberrant splicing resulting in intron retention and supports loss of this allele due to nonsense mediated decay (PMID: 31866046); Variant is present in gnomAD (v4) <0.01 for a recessive condition (391 heterozygotes, 0 homozygotes); This variant has strong previous evidence of pathogenicity in unrelated individuals. This variant has been classified as likely pathogenic or pathogenic by clinical laboratories in ClinVar. It has also been reported in the literature in a compound heterozygous state in individuals with Leigh syndrome or complex I deficiency (PMID: 31866046). Additional information: This variant is homozygous; This gene is associated with autosomal recessive disease; Loss of function is a known mechanism of disease in this gene and is associated with mitochondrial complex I deficiency, nuclear type 34 (MIM#618776); Inheritance information for this variant is not currently available in this individual.

CeGaT Center for Human Genetics Tuebingen
Classification: Pathogenic. Last evaluated: 2025-11-01. Review status: criteria provided, single submitter. Criteria: CeGaT Center For Human Genetics Tuebingen Variant Classification Criteria Version 2. Collection method: clinical testing. Allele origin: germline. Affected: yes. Observed: 4 variant alleles.
Comment: NDUFAF8: PVS1, PM3:Strong, PM2

Variantyx, Inc.
Classification: Pathogenic for Mitochondrial complex I deficiency, nuclear type 34. Last evaluated: 2025-06-11. Review status: criteria provided, single submitter. Criteria: Variantyx Assertion Criteria 2022. Collection method: clinical testing. Allele origin: germline. Inheritance: Autosomal recessive inheritance. Affected: no.
Comment: This is an intronic variant in the NDUFAF8 gene (OMIM: 618461). Pathogenic variants in this gene have been associated with autosomal recessive mitochondrial complex I deficiency, nuclear type 34. This variant is expected to result in loss of function due to abnormal splicing, which is a known disease mechanism for NDUFAF8 in this disorder (PMID: 31866046) (PVS1). This variant has been identified in the homozygous or compound heterozygous state in at least 2 individuals reported in the published literature (PMID: 31866046) (PM3_Strong). Algorithms that predict the potential impact of sequence variants on RNA splicing suggest that this variant has conflicting evidence regarding the effect on splicing. This variant has a 0.1081% maximum allele frequency in non-founder control populations. Based on the current evidence, this variant is classified as pathogenic for autosomal recessive mitochondrial complex I deficiency, nuclear type 34.

Blueprint Genetics
Classification: Pathogenic for NDUFAF8-related disorders. Last evaluated: 2024-11-08. Review status: criteria provided, single submitter. Criteria: ACMG Guidelines, 2015. Collection method: clinical testing. Allele origin: germline. Affected: yes. Observed: 5 variant alleles.

Baylor Genetics
Classification: Pathogenic for Mitochondrial complex I deficiency, nuclear type 34. Last evaluated: 2022-03-30. Review status: criteria provided, single submitter. Criteria: ACMG Guidelines, 2015. Collection method: clinical testing. Allele origin: unknown.

Undiagnosed Diseases Network, NIH
Classification: Pathogenic for Mitochondrial complex I deficiency, nuclear type 34. Last evaluated: 2022-03-30. Review status: criteria provided, single submitter. Criteria: ACMG Guidelines, 2015. Collection method: clinical testing. Allele origin: maternal. Inheritance: Autosomal recessive inheritance. Affected: yes. Observed: 1 variant allele, 1 compound heterozygote. Study: Undiagnosed Diseases Network (NIH), UDN.

Women's Health and Genetics/Laboratory Corporation of America, LabCorp
Classification: Likely pathogenic for Mitochondrial complex I deficiency, nuclear type 34. Last evaluated: 2021-05-21. Review status: criteria provided, single submitter. Criteria: LabCorp Variant Classification Summary - May 2015. Collection method: clinical testing. Allele origin: germline.
Comment: Variant summary: C17ORF89 (NDUFAF8) c.195+271C>T is located at a position not widely known to affect splicing. However, several computational tools predict a significant impact on normal splicing: Three predict the variant strengthens a cryptic intronic 5 donor site. Experimental evidence demonstrated this variant was associated with an mRNA defect leading to loss of the functionally relevant transcript (Alston_2020). The variant allele was found at a frequency of 0.00062 in 150992 control chromosomes, predominantly at a frequency of 0.0012 within the Non-Finnish European subpopulation in the gnomAD v3.1.1 database. Due to an unknown prevalence of C17ORF89 associated Mitochondrial Complex 1 Deficiency, this frequency relative to that expected for a pathogenic variant in C17ORF89 is unknown, allowing no conclusion about variant significance. c.195+271C>T has been reported in the literature in two comprehensively genotyped compound heterozygous individuals affected with Mitochondrial Complex 1 Deficiency (Alston_2020). Experimental evidence derived from studies on fibroblasts and muscle cells from one of these individuals indicated a decrease in complex I activity, a reduction in oxidative capacity, decreased levels of fully assembled complex I and a generalized reduction in complex I subunits (Alston_2020). These data indicate that the variant may be associated with disease. Two ClinVar submitters (evaluation after 2014) cite the variant as pathogenic. Based on the evidence outlined above, the variant was classified as likely pathogenic.

Mitochondrial Research Group, Newcastle University
Classification: Pathogenic for Mitochondrial disease. Last evaluated: 2019-10-09. Review status: criteria provided, single submitter. Criteria: ACMG Guidelines, 2015. Collection method: clinical testing. Allele origin: germline. Affected: yes. Observed: 2 variant alleles.

PreventionGenetics, part of Exact Sciences
Classification: Likely pathogenic for NDUFAF8-related condition. Last evaluated: 2024-06-06. Review status: no assertion criteria provided. Collection method: clinical testing. Allele origin: germline. Not counted in ClinVar's aggregate classification.
Comment: The NDUFAF8 c.199+267C>T variant is predicted to interfere with splicing. This variant, also reported as c.195+271C>T in transcript NM_001086521, has been reported in two unrelated individuals with a clinical diagnosis of Leigh syndrome (subjects 1 and 2, Alston et al. 2019. PubMed ID: 31866046). In vitro studies from subject 1's fibroblast cells demonstrated expression of this variant results in aberrant splicing, a reduction in oxidative capacity, as well as decreased levels of fully assembled complex I in both muscle cells and fibroblasts compared to controls (Figures S3, S4 and 3, Alston et al. 2019. PubMed ID: 31866046). Additionally, a rescue assay demonstrated that this phenotype could be corrected by a reintroduction of wildtype (Figure 3, Alston et al. 2019. PubMed ID: 31866046). This variant is reported in 0.12% of alleles in individuals of European (non-Finnish) descent in gnomAD. This variant is interpreted as likely pathogenic.

OMIM
Classification: Pathogenic for MITOCHONDRIAL COMPLEX I DEFICIENCY, NUCLEAR TYPE 34. Last evaluated: 2020-04-07. Review status: no assertion criteria provided. Collection method: literature only. Allele origin: germline. Not counted in ClinVar's aggregate classification.

Literature cited by the submitters: PubMed 31866046 (cited by 4 submitters).